The following is an entry in ClinVar:

NM_001916.5(CYC1):c.301CTC[1] (p.Leu102del)

Gene: CYC1 (cytochrome c1; plus strand). Cytogenetic location: 8q24.3.
Variant type: Microsatellite.
Coding change: c.301CTC[1] on transcript NM_001916.5 (MANE Select); one copy of the 3-base unit CTC starting at c.301; the reference has two copies in a row; one copy, 3 bases deleted; also written c.304_306del.
Protein change: p.Leu102del; deletes leucine 102.
Molecular consequence: inframe deletion.
Genome position (GRCh38, 1-based): chr8:144,096,007-144,096,009, CTC deleted; deleting any 3 consecutive bases within chr8:144,096,003-144,096,009 gives the same sequence; the position shown is the placement nearest the transcript's 3' end. VCF-style (leftmost placement, unchanged base first): chr8-144096002-GCCT-G. GRCh37 (hg19) VCF-style: chr8-145150905-GCCT-G.
Other names: c.304_306del (NM_001916.4); short protein forms L102del.
Identifiers: ClinVar variation 2071200 (VCV002071200.6), dbSNP rs754110346, ClinGen allele CA4933330.

ClinVar aggregate classification (germline): Uncertain significance. Review status: criteria provided, multiple submitters, no conflicts (2 of 4 stars). 3 submissions from 3 submitters: Uncertain significance (3). Last evaluated 2026-09-01.

Submissions (3):

CeGaT Center for Human Genetics Tuebingen
Classification: Uncertain significance. Last evaluated: 2026-09-01. Review status: criteria provided, single submitter. Criteria: CeGaT Center For Human Genetics Tuebingen Variant Classification Criteria Version 2. Collection method: clinical testing. Allele origin: germline. Affected: yes. Observed: 1 variant allele.
Comment: CYC1: PM2, PM4:Supporting

Labcorp Genetics (formerly Invitae), Labcorp
Classification: Uncertain significance. Last evaluated: 2024-03-12. Review status: criteria provided, single submitter. Criteria: Invitae Variant Classification Sherloc (09022015). Collection method: clinical testing. Allele origin: germline.
Comment: This variant, c.304_306del, results in the deletion of 1 amino acid(s) of the CYC1 protein (p.Leu102del), but otherwise preserves the integrity of the reading frame. This variant is present in population databases (rs754110346, gnomAD 0.02%). This variant has not been reported in the literature in individuals affected with CYC1-related conditions. ClinVar contains an entry for this variant (Variation ID: 2071200). Experimental studies and prediction algorithms are not available or were not evaluated, and the functional significance of this variant is currently unknown. In summary, the available evidence is currently insufficient to determine the role of this variant in disease. Therefore, it has been classified as a Variant of Uncertain Significance.

GeneDx
Classification: Uncertain significance. Last evaluated: 2023-10-27. Review status: criteria provided, single submitter. Criteria: GeneDx Variant Classification Process June 2021. Collection method: clinical testing. Allele origin: germline. Affected: yes.
Comment: In-frame deletion of 1 amino acid in a non-repeat region; In silico analysis supports a deleterious effect on protein structure/function; Has not been previously published as pathogenic or benign to our knowledge